The following is an entry in ClinVar:

ClinVar aggregate classification (germline): Benign/Likely benign. Review status: criteria provided, multiple submitters, no conflicts (2 of 4 stars). 9 submissions from 9 submitters: Benign (6); Likely benign (1). 2 of the submissions do not count toward it. Last evaluated 2026-02-04.

Conditions:
Warts, hypogammaglobulinemia, infections, and myelokathexis. Also called: WHIM syndrome. Identifiers: MedGen C0472817, MONDO:0023880.

Allele frequency attached by ClinVar (database versions not stated): gnomAD 0.03364 and 0.03635; TOPMed 0.03631; ESP Exome Variant Server 0.03698; gnomAD exomes 0.03910 and 0.04572; ExAC 0.04599; 1000 Genomes Project 30x 0.06074; 1000 Genomes Project 0.06290.
gnomAD v4.1: 63,175 of 1,614,162 alleles (3.9%); highest among the groups gnomAD compares: East Asian, 10%; 1,655 homozygotes.

Submissions (9):

Labcorp Genetics (formerly Invitae), Labcorp
Classification: Benign for Warts, hypogammaglobulinemia, infections, and myelokathexis. Last evaluated: 2026-02-04. Review status: criteria provided, single submitter. Criteria: Invitae Variant Classification Sherloc (09022015). Collection method: clinical testing. Allele origin: germline.

ARUP Laboratories, Molecular Genetics and Genomics, ARUP Laboratories
Classification: Benign. Last evaluated: 2025-07-28. Review status: criteria provided, single submitter. Criteria: ARUP Molecular Germline Variant Investigation Process 2024. Collection method: clinical testing. Allele origin: germline.

Blueprint Genetics
Classification: Likely benign. Last evaluated: 2024-11-26. Review status: criteria provided, single submitter. Criteria: ACMG Guidelines, 2015. Collection method: clinical testing. Allele origin: germline.

GeneDx
Classification: Benign. Last evaluated: 2020-10-06. Review status: criteria provided, single submitter. Criteria: GeneDx Variant Classification Process June 2021. Collection method: clinical testing. Allele origin: germline. Affected: yes.
Comment: This variant is associated with the following publications: (PMID: 19473177, 31177127)

Mayo Clinic Laboratories, Mayo Clinic
Classification: Benign. Last evaluated: 2018-05-16. Review status: criteria provided, single submitter. Criteria: ACMG Guidelines, 2015. Collection method: clinical testing. Allele origin: germline. Observed: 92 variant alleles.

Breakthrough Genomics
Classification: Benign. Review status: criteria provided, single submitter. Criteria: ACMG Guidelines, 2015. Collection method: not provided. Allele origin: germline. Inheritance: Autosomal dominant inheritance. Affected: yes.

PreventionGenetics, part of Exact Sciences
Classification: Benign. Review status: criteria provided, single submitter. Criteria: ACMG Guidelines, 2015. Collection method: clinical testing. Allele origin: germline.

Joint Genome Diagnostic Labs from Nijmegen and Maastricht, Radboudumc and MUMC+
Classification: Benign. Review status: no assertion criteria provided. Collection method: clinical testing. Allele origin: germline. Affected: yes. Study: VKGL Data-share Consensus. Not counted in ClinVar's aggregate classification.

Laboratory of Diagnostic Genome Analysis, Leiden University Medical Center (LUMC)
Classification: Benign. Review status: no assertion criteria provided. Collection method: clinical testing. Allele origin: germline. Affected: yes. Study: VKGL Data-share Consensus. Not counted in ClinVar's aggregate classification.

NM_003467.3(CXCR4):c.414C>T (p.Ile138=)

Gene: CXCR4 (C-X-C motif chemokine receptor 4; minus strand). Cytogenetic location: 2q22.1.
Variant type: single nucleotide variant.
Coding change: c.414C>T on transcript NM_003467.3 (MANE Select); coding-DNA position 414, C replaced by T.
Protein change: p.Ile138=; no amino-acid change (isoleucine 138 retained).
Molecular consequence: synonymous variant.
Genome position (GRCh38, 1-based): chr2:136,115,514, G>A on the plus strand (C>T on the coding strand, the complement: CXCR4 is on the minus strand). VCF-style: chr2-136115514-G-A. GRCh37 (hg19) VCF-style: chr2-136873084-G-A.
Other names: p.Ile138=; c.426C>T, p.Ile142= (NM_001008540.2); c.627C>T, p.Ile209= (NM_001348056.2); c.513C>T, p.Ile171= (NM_001348059.2); c.369C>T, p.Ile123= (NM_001348060.2).
Identifiers: ClinVar variation 259052 (VCV000259052.21), dbSNP rs2228014, ClinGen allele CA1890123.